The following is an entry in ClinVar:

ClinVar aggregate classification (germline): Uncertain significance. Review status: criteria provided, multiple submitters, no conflicts (2 of 4 stars). 2 submissions from 2 submitters: Uncertain significance (2). Last evaluated 2025-04-20.

Conditions:
Baller-Gerold syndrome (BGS). Also called: CRANIOSYNOSTOSIS WITH RADIAL DEFECTS. Identifiers: Orphanet 1225, MedGen C0265308, MONDO:0009039, OMIM 218600.
Inborn genetic diseases. Identifiers: MedGen C0950123, MeSH D030342.

gnomAD v4.1: 2 of 1,596,334 alleles (0.00013%); highest among the groups gnomAD compares: Non-Finnish European, 0.00017%; no homozygotes.

Submissions (2):

Ambry Genetics
Classification: Uncertain significance for Inborn genetic diseases. Last evaluated: 2025-04-20. Review status: criteria provided, single submitter. Criteria: Ambry Variant Classification Scheme 2023. Collection method: clinical testing. Allele origin: germline.
Comment: The p.Q54H variant (also known as c.162G>T), located in coding exon 3 of the RECQL4 gene, results from a G to T substitution at nucleotide position 162. The glutamine at codon 54 is replaced by histidine, an amino acid with highly similar properties. This amino acid position is conserved. In addition, this alteration is predicted to be tolerated by in silico analysis. Based on the available evidence, the clinical significance of this variant remains unclear.

Labcorp Genetics (formerly Invitae), Labcorp
Classification: Uncertain significance for Baller-Gerold syndrome. Last evaluated: 2023-11-15. Review status: criteria provided, single submitter. Criteria: Invitae Variant Classification Sherloc (09022015). Collection method: clinical testing. Allele origin: germline.
Comment: This sequence change replaces glutamine, which is neutral and polar, with histidine, which is basic and polar, at codon 54 of the RECQL4 protein (p.Gln54His). This variant is not present in population databases (gnomAD no frequency). This variant has not been reported in the literature in individuals affected with RECQL4-related conditions. ClinVar contains an entry for this variant (Variation ID: 2066669). Experimental studies and prediction algorithms are not available or were not evaluated, and the functional significance of this variant is currently unknown. In summary, the available evidence is currently insufficient to determine the role of this variant in disease. Therefore, it has been classified as a Variant of Uncertain Significance.

NM_004260.4(RECQL4):c.162G>T (p.Gln54His)

Genes: RECQL4 (RecQ like helicase 4; minus strand), LOC130001411 (ATAC-STARR-seq lymphoblastoid silent region 19699; plus strand). Cytogenetic location: 8q24.3.
Variant type: single nucleotide variant.
Coding change: c.162G>T on transcript NM_004260.4 (MANE Select); coding-DNA position 162, G replaced by T.
Protein change: p.Gln54His; replaces glutamine 54 with histidine.
Molecular consequence: missense variant.
Genome position (GRCh38, 1-based): chr8:144,517,465, C>A on the plus strand (G>T on the coding strand, the complement: RECQL4 is on the minus strand). VCF-style: chr8-144517465-C-A. GRCh37 (hg19) VCF-style: chr8-145742849-C-A.
Other names: c.162G>T, p.Gln54His (NM_001413017.1, NM_001413018.1, NM_001413019.1 and 5 more transcripts); c.-559G>T (NM_001413021.1); c.-910G>T (NM_001413022.1, NM_001413023.1, NM_001413037.1 and 2 more transcripts); c.-807G>T (NM_001413024.1, NM_001413035.1); c.-972G>T (NM_001413027.1, NM_001413030.1, NM_001413031.1 and 1 more transcripts); c.-635G>T (NM_001413028.1); c.-869G>T (NM_001413032.1); c.-814G>T (NM_001413034.1); and 2 more; short protein forms Q54H.
Identifiers: ClinVar variation 2066669 (VCV002066669.5), dbSNP rs1815354847, ClinGen allele CA372692654.